The following is an entry in ClinVar:

NM_000337.6(SGCD):c.107A>G (p.Tyr36Cys)

Gene: SGCD (sarcoglycan delta; plus strand). Cytogenetic location: 5q33.3.
Variant type: single nucleotide variant.
Coding change: c.107A>G on transcript NM_000337.6 (MANE Select); coding-DNA position 107, A replaced by G.
Protein change: p.Tyr36Cys; replaces tyrosine 36 with cysteine.
Molecular consequence: missense variant.
Genome position (GRCh38, 1-based): chr5:156,344,592, A>G. VCF-style: chr5-156344592-A-G. GRCh37 (hg19) VCF-style: chr5-155771602-A-G.
Other names: c.104A>G, p.Tyr35Cys (NM_001128209.2); c.107A>G, p.Tyr36Cys (NM_172244.3); short protein forms Y36C, Y35C.
Identifiers: ClinVar variation 3440547 (VCV003440547.1).

ClinVar aggregate classification (germline): Uncertain significance (1 of 4 stars; one submission).

Conditions:
Inborn genetic diseases. Identifiers: MedGen C0950123, MeSH D030342.

gnomAD v4.1: 1 of 1,612,416 alleles (0.000062%); no homozygotes.

Submission:

Ambry Genetics
Classification: Uncertain significance for Inborn genetic diseases. Last evaluated: 2024-09-14. Review status: criteria provided, single submitter. Criteria: Ambry Variant Classification Scheme 2023. Collection method: clinical testing. Allele origin: germline.
Comment: The p.Y36C variant (also known as c.107A>G), located in coding exon 2 of the SGCD gene, results from an A to G substitution at nucleotide position 107. The tyrosine at codon 36 is replaced by cysteine, an amino acid with highly dissimilar properties. This amino acid position is conserved. In addition, this alteration is predicted to be deleterious by in silico analysis. Based on the available evidence, the clinical significance of this variant remains unclear.